The following is an entry in ClinVar:

NM_000179.3(MSH6):c.1421T>C (p.Val474Ala)

Gene: MSH6 (mutS homolog 6; plus strand). Cytogenetic location: 2p16.3.
Variant type: single nucleotide variant.
Coding change: c.1421T>C on transcript NM_000179.3 (MANE Select); coding-DNA position 1421, T replaced by C.
Protein change: p.Val474Ala; replaces valine 474 with alanine.
Molecular consequence: missense variant.
Genome position (GRCh38, 1-based): chr2:47,799,404, T>C. VCF-style: chr2-47799404-T-C. GRCh37 (hg19) VCF-style: chr2-48026543-T-C.
Other names: c.1031T>C, p.Val344Ala (NM_001281492.2); c.515T>C, p.Val172Ala (NM_001281493.2, NM_001281494.2); short protein forms V474A, V172A, V344A.
Identifiers: ClinVar variation 836821 (VCV000836821.12), dbSNP rs1669329899, ClinGen allele CA346745397.

ClinVar aggregate classification (germline): Uncertain significance. Review status: criteria provided, multiple submitters, no conflicts (2 of 4 stars). 3 submissions from 3 submitters: Uncertain significance (2). 1 of the submissions does not count toward it. Last evaluated 2026-06-30.

Conditions:
Hereditary nonpolyposis colorectal neoplasms. Identifiers: MedGen C0009405, MeSH D003123.
Lynch-like syndrome.
Hereditary cancer-predisposing syndrome. Also called: Tumor predisposition; Hereditary neoplastic syndrome; Neoplastic Syndromes, Hereditary; Hereditary Cancer Syndrome. Identifiers: Orphanet 140162, MedGen C0027672, MeSH D009386, MONDO:0015356.

gnomAD v4.1: 1 of 1,614,148 alleles (0.000062%); highest among the groups gnomAD compares: Non-Finnish European, 0.000085%; no homozygotes.

Submissions (3):

Ambry Genetics
Classification: Uncertain significance for Hereditary cancer-predisposing syndrome. Last evaluated: 2026-06-30. Review status: criteria provided, single submitter. Criteria: Ambry Variant Classification Scheme 2023. Collection method: clinical testing. Allele origin: germline.
Comment: The p.V474A variant (also known as c.1421T>C), located in coding exon 4 of the MSH6 gene, results from a T to C substitution at nucleotide position 1421. The valine at codon 474 is replaced by alanine, an amino acid with similar properties. This amino acid position is highly conserved in available vertebrate species. In addition, this alteration is predicted to be deleterious by in silico analysis. Based on the available evidence, the clinical significance of this variant remains unclear.

Labcorp Genetics (formerly Invitae), Labcorp
Classification: Uncertain significance for Hereditary nonpolyposis colorectal neoplasms. Last evaluated: 2025-11-09. Review status: criteria provided, single submitter. Criteria: Invitae Variant Classification Sherloc (09022015). Collection method: clinical testing. Allele origin: germline.
Comment: This sequence change replaces valine, which is neutral and non-polar, with alanine, which is neutral and non-polar, at codon 474 of the MSH6 protein (p.Val474Ala). This variant is not present in population databases (gnomAD no frequency). This variant has not been reported in the literature in individuals affected with MSH6-related conditions. ClinVar contains an entry for this variant (Variation ID: 836821). An algorithm developed specifically for the MSH6 gene suggests that this missense change is likely to be deleterious (PMID: 23621914). In summary, the available evidence is currently insufficient to determine the role of this variant in disease. Therefore, it has been classified as a Variant of Uncertain Significance.

Constitutional Genetics Lab, Leon Berard Cancer Center
Classification: Uncertain significance for Lynch-like syndrome. Last evaluated: 2019-07-01. Review status: no assertion criteria provided. Collection method: clinical testing. Allele origin: somatic. Affected: yes. Not counted in ClinVar's aggregate classification.

Literature cited by the submitters: PubMed 23621914 (cited by Labcorp Genetics (formerly Invitae), Labcorp).